The following is an entry in ClinVar:

NM_003922.4(HERC1):c.7903A>T (p.Thr2635Ser)

Gene: HERC1 (HECT and RLD domain containing E3 ubiquitin protein ligase family member 1; minus strand). Cytogenetic location: 15q22.31.
Variant type: single nucleotide variant.
Coding change: c.7903A>T on transcript NM_003922.4 (MANE Select); coding-DNA position 7903, A replaced by T.
Protein change: p.Thr2635Ser; replaces threonine 2635 with serine.
Molecular consequence: missense variant.
Genome position (GRCh38, 1-based): chr15:63,672,638, T>A on the plus strand (A>T on the coding strand, the complement: HERC1 is on the minus strand). VCF-style: chr15-63672638-T-A. GRCh37 (hg19) VCF-style: chr15-63964837-T-A.
Other names: short protein forms T2635S.
Identifiers: ClinVar variation 4689303 (VCV004689303.1).
Genomic context (GRCh38, chr15:63,672,638, plus strand): 5'-TGGTGTCCTCCAGAGAGCTGCTCATAAAGGAGGTCGTGCTTGAGGCTGATGGGCTAGTAG[T>A]AACTGGTGTCTGTGCCTGCTGGGCAGGGTCACTTTCTTCAGCTTGTTGATCAATCTCTAG-3'
Protein context (NP_003913.3, residues 2625-2645): DPAQQAQTPV[Thr2635Ser]TSPSASSTTS

ClinVar aggregate classification (germline): Uncertain significance (1 of 4 stars; one submission).

Submission:

Women's Health and Genetics/Laboratory Corporation of America, LabCorp
Classification: Uncertain significance. Last evaluated: 2026-01-19. Review status: criteria provided, single submitter. Criteria: LabCorp Variant Classification Summary - May 2015. Collection method: clinical testing. Allele origin: germline.
Comment: Variant summary: HERC1 c.7903A>T (p.Thr2635Ser) results in a conservative amino acid change in the encoded protein sequence. Algorithms developed to predict the effect of missense changes on protein structure and function are either unavailable or do not agree on the potential impact of this missense change. The variant was absent in 247658 control chromosomes. The available data on variant occurrences in the general population are insufficient to allow any conclusion about variant significance. To our knowledge, no occurrence of c.7903A>T in individuals affected with HERC1-related conditions and no experimental evidence demonstrating its impact on protein function have been reported. No submitters have cited clinical-significance assessments for this variant to ClinVar. Based on the evidence outlined above, the variant was classified as uncertain significance.